The following is an entry in ClinVar:

ClinVar aggregate classification (germline): Likely benign. Review status: criteria provided, multiple submitters, no conflicts (2 of 4 stars). 5 submissions from 5 submitters: Likely benign (5). Last evaluated 2026-07-01.

Conditions:
FAT4-related disorder. Also called: FAT4-related condition.

Allele frequency attached by ClinVar (database versions not stated): ESP Exome Variant Server 0.00016; 1000 Genomes Project 0.00020; ExAC 0.00021; TOPMed 0.00021; gnomAD 0.00022 and 0.00023; gnomAD exomes 0.00024; 1000 Genomes Project 30x 0.00031.
gnomAD v4.1: 269 of 1,614,086 alleles (0.017%); highest among the groups gnomAD compares: Middle Eastern, 0.13%; 1 homozygote.

Submissions (5):

CeGaT Center for Human Genetics Tuebingen
Classification: Likely benign. Last evaluated: 2026-07-01. Review status: criteria provided, single submitter. Criteria: CeGaT Center For Human Genetics Tuebingen Variant Classification Criteria Version 2. Collection method: clinical testing. Allele origin: germline. Affected: yes. Observed: 4 variant alleles.
Comment: FAT4: BP4, BP7

Labcorp Genetics (formerly Invitae), Labcorp
Classification: Likely benign. Last evaluated: 2026-01-06. Review status: criteria provided, single submitter. Criteria: Invitae Variant Classification Sherloc (09022015). Collection method: clinical testing. Allele origin: germline.

PreventionGenetics, part of Exact Sciences
Classification: Likely benign for FAT4-related condition. Last evaluated: 2025-05-29. Review status: criteria provided, single submitter. Criteria: ACMG Guidelines, 2015. Collection method: clinical testing. Allele origin: germline.
Comment: This variant is classified as likely benign based on ACMG/AMP sequence variant interpretation guidelines (Richards et al. 2015 PMID: 25741868, with internal and published modifications).

Blueprint Genetics
Classification: Likely benign. Last evaluated: 2024-10-11. Review status: criteria provided, single submitter. Criteria: ACMG Guidelines, 2015. Collection method: clinical testing. Allele origin: germline.

GeneDx
Classification: Likely benign. Last evaluated: 2020-10-29. Review status: criteria provided, single submitter. Criteria: GeneDx Variant Classification Process June 2021. Collection method: clinical testing. Allele origin: germline. Affected: yes.

NM_001291303.3(FAT4):c.1296T>C (p.Pro432=)

Gene: FAT4 (FAT atypical cadherin 4; plus strand). Cytogenetic location: 4q28.1.
Variant type: single nucleotide variant.
Coding change: c.1296T>C on transcript NM_001291303.3 (MANE Select); coding-DNA position 1296, T replaced by C.
Protein change: p.Pro432=; no amino-acid change (proline 432 retained).
Molecular consequence: synonymous variant.
Genome position (GRCh38, 1-based): chr4:125,317,707, T>C. VCF-style: chr4-125317707-T-C. GRCh37 (hg19) VCF-style: chr4-126238862-T-C.
Other names: c.1296T>C, p.Pro432= (NM_001291285.3, NM_024582.6).
Identifiers: ClinVar variation 390595 (VCV000390595.37), dbSNP rs372007282, ClinGen allele CA3071959.